The following is an entry in ClinVar:

NM_213649.2(SFXN4):c.668del (p.Lys223fs)

Gene: SFXN4 (sideroflexin 4; minus strand). Cytogenetic location: 10q26.11.
Variant type: Deletion.
Coding change: c.668del on transcript NM_213649.2 (MANE Select); coding-DNA position 668, one base deleted (A; older notation c.668delA).
Protein change: p.Lys223fs; shifts the reading frame from lysine 223.
Molecular consequence: frameshift variant. On other transcripts: non-coding transcript variant (1).
Genome position (GRCh38, 1-based): chr10:119,155,126, T deleted on the plus strand (A on the coding strand, the reverse complement: SFXN4 is on the minus strand); the first of 2 consecutive T bases (chr10:119,155,126-119,155,127); deleting either gives the same sequence. VCF-style (leftmost placement, unchanged base first): chr10-119155125-CT-C. GRCh37 (hg19) VCF-style: chr10-120914637-CT-C.
Other names: c.667delA, p.Lys223Argfs (NM_213650.1); short protein forms K223fs.
Identifiers: ClinVar variation 2175492 (VCV002175492.1), dbSNP rs2493890591, ClinGen allele CA2580082411.

ClinVar aggregate classification (germline): Pathogenic (1 of 4 stars; one submission).

Submission:

Labcorp Genetics (formerly Invitae), Labcorp
Classification: Pathogenic. Last evaluated: 2022-07-05. Review status: criteria provided, single submitter. Criteria: Invitae Variant Classification Sherloc (09022015). Collection method: clinical testing. Allele origin: germline.
Comment: This sequence change creates a premature translational stop signal (p.Lys223Argfs*28) in the SFXN4 gene. It is expected to result in an absent or disrupted protein product. Loss-of-function variants in SFXN4 are known to be pathogenic (PMID: 24119684). This variant is not present in population databases (gnomAD no frequency). This variant has not been reported in the literature in individuals affected with SFXN4-related conditions. For these reasons, this variant has been classified as Pathogenic.

Literature cited by the submitters: PubMed 24119684.